The following is an entry in ClinVar:

ClinVar aggregate classification (germline): Uncertain significance. Review status: criteria provided, multiple submitters, no conflicts (2 of 4 stars). 2 submissions from 2 submitters: Uncertain significance (2). Last evaluated 2025-04-06.

Submissions (2):

Ambry Genetics
Classification: Uncertain significance. Last evaluated: 2025-04-06. Review status: criteria provided, single submitter. Criteria: Ambry Variant Classification Scheme 2023. Collection method: clinical testing. Allele origin: germline.
Comment: The p.L109M variant (also known as c.325C>A), located in coding exon 2 of the RNF43 gene, results from a C to A substitution at nucleotide position 325. The leucine at codon 109 is replaced by methionine, an amino acid with highly similar properties. This amino acid position is conserved. In addition, this alteration is predicted to be tolerated by in silico analysis. Based on the available evidence, the clinical significance of this variant remains unclear.

GeneDx
Classification: Uncertain significance. Last evaluated: 2024-05-14. Review status: criteria provided, single submitter. Criteria: GeneDx Variant Classification Process June 2021. Collection method: clinical testing. Allele origin: germline. Affected: yes.
Comment: Not observed at significant frequency in large population cohorts (gnomAD); In silico analysis supports that this missense variant does not alter protein structure/function; Has not been previously published as pathogenic or benign to our knowledge; Variants in candidate genes are classified as variants of uncertain significance in accordance with ACMG guidelines (PMID: 25741868)

NM_017763.6(RNF43):c.325C>A (p.Leu109Met)

Gene: RNF43 (ring finger protein 43; minus strand). Cytogenetic location: 17q22.
Variant type: single nucleotide variant.
Coding change: c.325C>A on transcript NM_017763.6 (MANE Select); coding-DNA position 325, C replaced by A.
Protein change: p.Leu109Met; replaces leucine 109 with methionine.
Molecular consequence: missense variant.
Genome position (GRCh38, 1-based): chr17:58,370,961, G>T on the plus strand (C>A on the coding strand, the complement: RNF43 is on the minus strand). VCF-style: chr17-58370961-G-T. GRCh37 (hg19) VCF-style: chr17-56448322-G-T.
Other names: c.325C>A, p.Leu109Met (NM_001305544.3); c.-57C>A (NM_001305545.2); short protein forms L109M.
Identifiers: ClinVar variation 3378058 (VCV003378058.2).